The following is an entry in ClinVar:

ClinVar aggregate classification (germline): Uncertain significance (1 of 4 stars; one submission).

Submission:

GeneDx
Classification: Uncertain significance. Last evaluated: 2025-06-18. Review status: criteria provided, single submitter. Criteria: GeneDx Variant Classification Process June 2021. Collection method: clinical testing. Allele origin: germline. Affected: yes.
Comment: Stop codon loss and change to a Isoleucine codon, leading to protein extension and the addition of 72 amino acids at the C-terminus; Not observed at significant frequency in large population cohorts (gnomAD); Has not been previously published as pathogenic or benign to our knowledge.

NM_181332.3(NLGN4X):c.2447dup (p.Ter817IleextTer?)

Gene: NLGN4X (neuroligin 4 X-linked; minus strand). Cytogenetic location: Xp22.32.
Variant type: Duplication.
Coding change: c.2447dup on transcript NM_181332.3 (MANE Select); coding-DNA position 2447, one base duplicated (T; older notation c.2447dupT).
Protein change: p.Ter817IleextTer?.
Molecular consequence: frameshift variant.
Genome position (GRCh38, 1-based): chrX:5,892,821, A duplicated on the plus strand (T on the coding strand, the reverse complement: NLGN4X is on the minus strand). VCF-style (leftmost placement, unchanged base first): chrX-5892820-T-TA. GRCh37 (hg19) VCF-style: chrX-5810861-T-TA.
Other names: c.2447dup, p.Ter817IleextTer? (NM_001282145.2, NM_001282146.2, NM_001441322.1 and 4 more transcripts).
Identifiers: ClinVar variation 4538959 (VCV004538959.1).